The following is an entry in ClinVar:

NM_212550.5(BLOC1S3):c.392T>C (p.Val131Ala)

Gene: BLOC1S3 (biogenesis of lysosomal organelles complex 1 subunit 3; plus strand). Cytogenetic location: 19q13.32.
Variant type: single nucleotide variant.
Coding change: c.392T>C on transcript NM_212550.5 (MANE Select); coding-DNA position 392, T replaced by C.
Protein change: p.Val131Ala; replaces valine 131 with alanine.
Molecular consequence: missense variant.
Genome position (GRCh38, 1-based): chr19:45,179,688, T>C. VCF-style: chr19-45179688-T-C. GRCh37 (hg19) VCF-style: chr19-45682946-T-C.
Other names: short protein forms V131A.
Identifiers: ClinVar variation 1930145 (VCV001930145.2), dbSNP rs1045725864, ClinGen allele CA308943327.

ClinVar aggregate classification (germline): Uncertain significance (1 of 4 stars; one submission).

Allele frequency attached by ClinVar (database versions not stated): gnomAD exomes below 0.00001; gnomAD 0.00001; TOPMed 0.00001.
gnomAD v4.1: 3 of 1,465,398 alleles (0.0002%); highest among the groups gnomAD compares: African/African-American, 0.0015%; no homozygotes.

Submission:

Labcorp Genetics (formerly Invitae), Labcorp
Classification: Uncertain significance. Last evaluated: 2022-10-11. Review status: criteria provided, single submitter. Criteria: Invitae Variant Classification Sherloc (09022015). Collection method: clinical testing. Allele origin: germline.
Comment: This sequence change replaces valine, which is neutral and non-polar, with alanine, which is neutral and non-polar, at codon 131 of the BLOC1S3 protein (p.Val131Ala). This variant is not present in population databases (gnomAD no frequency). This variant has not been reported in the literature in individuals affected with BLOC1S3-related conditions. Algorithms developed to predict the effect of missense changes on protein structure and function are either unavailable or do not agree on the potential impact of this missense change (SIFT: "Deleterious"; PolyPhen-2: "Benign"; Align-GVGD: "Class C25"). In summary, the available evidence is currently insufficient to determine the role of this variant in disease. Therefore, it has been classified as a Variant of Uncertain Significance.